The following is an entry in ClinVar:

NM_005359.6(SMAD4):c.534A>G (p.Ser178=)

Gene: SMAD4 (SMAD family member 4; plus strand). Cytogenetic location: 18q21.2.
Variant type: single nucleotide variant.
Coding change: c.534A>G on transcript NM_005359.6 (MANE Select); coding-DNA position 534, A replaced by G.
Protein change: p.Ser178=; no amino-acid change (serine 178 retained).
Molecular consequence: synonymous variant. On other transcripts: non-coding transcript variant (2).
Genome position (GRCh38, 1-based): chr18:51,054,860, A>G. VCF-style: chr18-51054860-A-G. GRCh37 (hg19) VCF-style: chr18-48581230-A-G.
Other names: c.534A>G, p.Ser178= (NM_001407041.1, NM_001407042.1, NM_001407043.1).
Identifiers: ClinVar variation 2096830 (VCV002096830.6), dbSNP rs2144418585, ClinGen allele CA503873709.

ClinVar aggregate classification (germline): Benign/Likely benign. Review status: criteria provided, multiple submitters, no conflicts (2 of 4 stars). 3 submissions from 3 submitters: Benign (1); Likely benign (2). Last evaluated 2025-08-07.

Conditions:
Familial thoracic aortic aneurysm and aortic dissection (TAAD). Also called: Thoracic aortic aneurysms and dissections. Identifiers: Orphanet 91387, MedGen C4707243, MONDO:0019625.
Hereditary cancer-predisposing syndrome. Also called: Neoplastic Syndromes, Hereditary; Tumor predisposition; Hereditary neoplastic syndrome; Hereditary Cancer Syndrome. Identifiers: Orphanet 140162, MedGen C0027672, MeSH D009386, MONDO:0015356.
Juvenile polyposis/hereditary hemorrhagic telangiectasia syndrome (JPHT). Also called: JP/HHT SYNDROME; JUVENILE POLYPOSIS WITH HEREDITARY HEMORRHAGIC TELANGIECTASIA; POLYPOSIS, GENERALIZED JUVENILE, WITH PULMONARY ARTERIOVENOUS MALFORMATION; TELANGIECTASIA, HEREDITARY HEMORRHAGIC, WITH JUVENILE POLYPOSIS COLI; Juvenile Polyposis Syndrome / Hereditary Hemorrhagic Telangiectasia (JPS/HHT). Identifiers: Orphanet 2929, MedGen C1832942, MONDO:0008278, OMIM 175050.
Juvenile polyposis syndrome (JPS). Identifiers: Orphanet 2929, MedGen C0345893, MONDO:0017380, OMIM 174900.

Submissions (3):

Ambry Genetics
Classification: Likely benign for Hereditary cancer-predisposing syndrome; Familial thoracic aortic aneurysm and aortic dissection. Last evaluated: 2025-08-07. Review status: criteria provided, single submitter. Criteria: Ambry Variant Classification Scheme 2023. Collection method: clinical testing. Allele origin: germline.

Myriad Genetics, Inc.
Classification: Benign for Juvenile polyposis/hereditary hemorrhagic telangiectasia syndrome. Last evaluated: 2025-03-19. Review status: criteria provided, single submitter. Criteria: Myriad Autosomal Dominant, Autosomal Recessive and X-Linked Classification Criteria (2023). Collection method: clinical testing. Allele origin: unknown.
Comment: This variant is considered benign. This variant is a silent/synonymous amino acid change and it is not expected to impact splicing.

Labcorp Genetics (formerly Invitae), Labcorp
Classification: Likely benign for Juvenile polyposis syndrome. Last evaluated: 2022-02-11. Review status: criteria provided, single submitter. Criteria: Invitae Variant Classification Sherloc (09022015). Collection method: clinical testing. Allele origin: germline.